The following is an entry in ClinVar:

ClinVar aggregate classification (germline): Uncertain significance (1 of 4 stars; one submission).

Submission:

CeGaT Center for Human Genetics Tuebingen
Classification: Uncertain significance. Last evaluated: 2026-01-01. Review status: criteria provided, single submitter. Criteria: CeGaT Center For Human Genetics Tuebingen Variant Classification Criteria Version 2. Collection method: clinical testing. Allele origin: germline. Affected: yes. Observed: 1 variant allele.
Comment: FRMPD4: PM2

NM_001368397.1(FRMPD4):c.2161G>T (p.Asp721Tyr)

Gene: FRMPD4 (FERM and PDZ domain containing 4; plus strand). Cytogenetic location: Xp22.2.
Variant type: single nucleotide variant.
Coding change: c.2161G>T on transcript NM_001368397.1 (MANE Select); coding-DNA position 2161, G replaced by T.
Protein change: p.Asp721Tyr; replaces aspartic acid 721 with tyrosine.
Molecular consequence: missense variant.
Genome position (GRCh38, 1-based): chrX:12,716,620, G>T. VCF-style: chrX-12716620-G-T. GRCh37 (hg19) VCF-style: chrX-12734739-G-T.
Other names: c.2137G>T, p.Asp713Tyr (NM_001368401.1, NM_001368402.3); c.2161G>T, p.Asp721Tyr (NM_014728.3); c.2272G>T, p.Asp758Tyr (NM_001368395.3, NM_001368398.3); c.2167G>T, p.Asp723Tyr (NM_001368396.3); c.2152G>T, p.Asp718Tyr (NM_001368399.3); c.2041G>T, p.Asp681Tyr (NM_001368400.3); short protein forms D681Y, D713Y, D718Y, D721Y, D723Y, D758Y.
Identifiers: ClinVar variation 4823033 (VCV004823033.4).